The following is an entry in ClinVar:

ClinVar aggregate classification (germline): Uncertain significance (1 of 4 stars; one submission).

Conditions:
Nemaline myopathy 2 (NEM2). Also called: Nemaline myopathy 2, autosomal recessive. Identifiers: MedGen C1850569, MONDO:0009725, OMIM 256030.

Allele frequency attached by ClinVar (database versions not stated): gnomAD exomes below 0.00001.

Submission:

Labcorp Genetics (formerly Invitae), Labcorp
Classification: Uncertain significance for Nemaline myopathy 2. Last evaluated: 2022-05-03. Review status: criteria provided, single submitter. Criteria: Invitae Variant Classification Sherloc (09022015). Collection method: clinical testing. Allele origin: germline.
Comment: This sequence change replaces glycine, which is neutral and non-polar, with glutamic acid, which is acidic and polar, at codon 25 of the NEB protein (p.Gly25Glu). This variant is not present in population databases (gnomAD no frequency). This variant has not been reported in the literature in individuals affected with NEB-related conditions. Algorithms developed to predict the effect of missense changes on protein structure and function are either unavailable or do not agree on the potential impact of this missense change (SIFT: "Deleterious"; PolyPhen-2: "Not Available"; Align-GVGD: "Class C0"). In summary, the available evidence is currently insufficient to determine the role of this variant in disease. Therefore, it has been classified as a Variant of Uncertain Significance.

NM_001164508.2(NEB):c.74G>A (p.Gly25Glu)

Gene: NEB (nebulin; minus strand). Cytogenetic location: 2q23.3.
Variant type: single nucleotide variant.
Coding change: c.74G>A on transcript NM_001164508.2 (MANE Select); coding-DNA position 74, G replaced by A.
Protein change: p.Gly25Glu; replaces glycine 25 with glutamic acid.
Molecular consequence: missense variant.
Genome position (GRCh38, 1-based): chr2:151,729,619, C>T on the plus strand (G>A on the coding strand, the complement: NEB is on the minus strand). VCF-style: chr2-151729619-C-T. GRCh37 (hg19) VCF-style: chr2-152586133-C-T.
Other names: c.74G>A, p.Gly25Glu (NM_001164507.2, NM_001271208.2, NM_004543.5); short protein forms G25E.
Identifiers: ClinVar variation 2059713 (VCV002059713.1), dbSNP rs2099800858, ClinGen allele CA348796784.